The following is an entry in ClinVar:

NM_000487.6(ARSA):c.424G>A (p.Gly142Ser)

Gene: ARSA (arylsulfatase A; minus strand). Cytogenetic location: 22q13.33.
Variant type: single nucleotide variant.
Coding change: c.424G>A on transcript NM_000487.6 (MANE Select); coding-DNA position 424, G replaced by A.
Protein change: p.Gly142Ser; replaces glycine 142 with serine.
Molecular consequence: missense variant.
Genome position (GRCh38, 1-based): chr22:50,627,207, C>T on the plus strand (G>A on the coding strand, the complement: ARSA is on the minus strand). VCF-style: chr22-50627207-C-T. GRCh37 (hg19) VCF-style: chr22-51065635-C-T.
Other names: NP_000478.3:p.(Gly142Ser); c.424G>A, p.Gly142Ser (NM_001085425.3, NM_001085426.3, NM_001085427.3); c.166G>A, p.Gly56Ser (NM_001085428.3, NM_001362782.2); short protein forms G142S, G56S.
Identifiers: ClinVar variation 1359771 (VCV001359771.7), dbSNP rs2146725322, ClinGen allele CA412180257.

ClinVar aggregate classification (germline): Uncertain significance. Review status: criteria provided, multiple submitters, no conflicts (2 of 4 stars). 2 submissions from 2 submitters: Uncertain significance (2). Last evaluated 2026-09-17.

Conditions:
Metachromatic leukodystrophy (MLD). Also called: ARSA DEFICIENCY; CEREBROSIDE SULFATASE DEFICIENCY; Cerebral sclerosis diffuse metachromatic form; Arylsulfatase A Deficiency; METACHROMATIC LEUKOENCEPHALOPATHY; SULFATIDE LIPIDOSIS. Identifiers: Orphanet 512, MedGen C0023522, MONDO:0018868, OMIM 250100.

Submissions (2):

Laboratory of Experimental Gene Therapy of Hereditary Metabolic Diseases, Research Centre for Medical Genetics
Classification: Uncertain significance for Metachromatic leukodystrophy. Last evaluated: 2026-09-17. Review status: criteria provided, single submitter. Criteria: ARSA MLD Assertion Criteria V2 2026 09 18. Collection method: clinical testing. Allele origin: germline. Inheritance: Autosomal recessive inheritance. Observed: 5 variant alleles, 5 compound heterozygotes.
Comment: Reassessed under ACMG/AMP 2015 with ClinGen SVI refinements and a Bayesian point framework (supporting=1, moderate=2, strong=4, very strong=8; 6-9 points=likely pathogenic; >=10 points=pathogenic). Final score: 5. Evidence applied: PM2_Supporting, PP3_Strong. Observations from the present referral series were excluded from classification.

Labcorp Genetics (formerly Invitae), Labcorp
Classification: Uncertain significance for Metachromatic leukodystrophy. Last evaluated: 2021-08-24. Review status: criteria provided, single submitter. Criteria: Invitae Variant Classification Sherloc (09022015). Collection method: clinical testing. Allele origin: germline.
Comment: This sequence change replaces glycine with serine at codon 142 of the ARSA protein (p.Gly142Ser). The glycine residue is highly conserved and there is a small physicochemical difference between glycine and serine. This variant is not present in population databases (ExAC no frequency). This variant has not been reported in the literature in individuals affected with ARSA-related conditions. Advanced modeling of protein sequence and biophysical properties (such as structural, functional, and spatial information, amino acid conservation, physicochemical variation, residue mobility, and thermodynamic stability) performed at Invitae indicates that this missense variant is expected to disrupt ARSA protein function. Algorithms developed to predict the effect of sequence changes on RNA splicing suggest that this variant may create or strengthen a splice site. In summary, the available evidence is currently insufficient to determine the role of this variant in disease. Therefore, it has been classified as a Variant of Uncertain Significance.